The following is an entry in ClinVar:

ClinVar aggregate classification (germline): Conflicting classifications of pathogenicity. Review status: criteria provided, conflicting classifications (1 of 4 stars). 6 submissions from 6 submitters: Uncertain significance (1); Benign (2); Likely benign (2). 1 of the submissions does not count toward it. Last evaluated 2026-01-26.

Conditions:
Nemaline myopathy 2 (NEM2). Also called: Nemaline myopathy 2, autosomal recessive. Identifiers: MedGen C1850569, MONDO:0009725, OMIM 256030.

Allele frequency attached by ClinVar (database versions not stated): gnomAD exomes 0.00012 and 0.00029; ExAC 0.00039; ESP Exome Variant Server 0.00110; gnomAD 0.00122 and 0.00134; TOPMed 0.00132; 1000 Genomes Project 30x 0.00172; 1000 Genomes Project 0.00180.
gnomAD v4.1: 379 of 1,612,896 alleles (0.023%); highest among the groups gnomAD compares: African/African-American, 0.36%; 2 homozygotes.

Submissions (6):

Labcorp Genetics (formerly Invitae), Labcorp
Classification: Benign for Nemaline myopathy 2. Last evaluated: 2026-01-26. Review status: criteria provided, single submitter. Criteria: Invitae Variant Classification Sherloc (09022015). Collection method: clinical testing. Allele origin: germline.

Mayo Clinic Laboratories, Mayo Clinic
Classification: Likely benign. Last evaluated: 2025-06-07. Review status: criteria provided, single submitter. Criteria: ACMG Guidelines, 2015. Collection method: clinical testing. Allele origin: germline. Observed: 2 variant alleles.
Comment: BS1, BP4, BP7

Athena Diagnostics
Classification: Benign. Last evaluated: 2024-10-17. Review status: criteria provided, single submitter. Criteria: Athena Diagnostics Criteria. Collection method: clinical testing. Allele origin: unknown.

GeneDx
Classification: Likely benign. Last evaluated: 2018-08-15. Review status: criteria provided, single submitter. Criteria: GeneDx Variant Classification Process June 2021. Collection method: clinical testing. Allele origin: germline. Affected: yes.

Eurofins Ntd Llc (ga)
Classification: Uncertain significance. Last evaluated: 2015-06-10. Review status: criteria provided, single submitter. Criteria: EGL Classification Definitions 2015. Collection method: clinical testing. Allele origin: germline. Observed: 1 variant allele, 1 heterozygote.

Natera, Inc.
Classification: Uncertain significance for Nemaline myopathy type 2. Last evaluated: 2019-11-11. Review status: no assertion criteria provided. Collection method: clinical testing. Allele origin: germline. Not counted in ClinVar's aggregate classification.

NM_001164508.2(NEB):c.1206C>T (p.Cys402=)

Gene: NEB (nebulin; minus strand). Cytogenetic location: 2q23.3.
Variant type: single nucleotide variant.
Coding change: c.1206C>T on transcript NM_001164508.2 (MANE Select); coding-DNA position 1206, C replaced by T.
Protein change: p.Cys402=; no amino-acid change (cysteine 402 retained).
Molecular consequence: synonymous variant.
Genome position (GRCh38, 1-based): chr2:151,697,595, G>A on the plus strand (C>T on the coding strand, the complement: NEB is on the minus strand). VCF-style: chr2-151697595-G-A. GRCh37 (hg19) VCF-style: chr2-152554109-G-A.
Other names: p.Cys402=; c.1206C>T, p.Cys402= (NM_001164507.2, NM_001271208.2, NM_004543.5).
Identifiers: ClinVar variation 281390 (VCV000281390.23), dbSNP rs199695976, ClinGen allele CA1911655.
Genomic context (GRCh38, chr2:151,697,595, plus strand): 5'-ATTGCTTACATCACTACTGAAGTTCTGCAGAACAGTATCGAGCTTGAATTTGGGGGTCTC[G>A]CAGTAATTTATGCTCTTTGCTTTTGTCTTTTCATAGTTTTCCTTGTATAGTTTCTGTCAA-3'
Protein context (NP_001157980.2, residues 392-412): EKTKAKSINY[Cys402=]ETPKFKLDTV